The following is an entry in ClinVar:

ClinVar aggregate classification (germline): Likely pathogenic (1 of 4 stars; one submission).

Conditions:
Usher syndrome type 1 (USH1). Also called: RETINITIS PIGMENTOSA AND CONGENITAL DEAFNESS. Identifiers: Orphanet 231169, Orphanet 886, MedGen C1568247, MONDO:0010168, OMIM 276900.

Submission:

Myriad Genetics, Inc.
Classification: Likely pathogenic for Usher syndrome type 1. Last evaluated: 2019-03-31. Review status: criteria provided, single submitter. Criteria: Myriad Women's Health Autosomal Recessive and X-Linked Classification Criteria (2019). Collection method: clinical testing. Allele origin: unknown.
Comment: NM_000260.3(MYO7A):c.712G>T(E238*) is expected to be pathogenic in the context of MYO7A-related disorders. This variant is predicted to lead to an abnormal or absent protein product due to the creation of a premature termination codon in MYO7A, a gene where loss-of-function variants are known to be pathogenic. Please note: this variant was assessed in the context of healthy population screening.

NM_000260.4(MYO7A):c.712G>T (p.Glu238Ter)

Gene: MYO7A (myosin VIIA; plus strand). Cytogenetic location: 11q13.5.
Variant type: single nucleotide variant.
Coding change: c.712G>T on transcript NM_000260.4 (MANE Select); coding-DNA position 712, G replaced by T.
Protein change: p.Glu238Ter; replaces glutamic acid 238 with a stop codon.
Molecular consequence: nonsense.
Genome position (GRCh38, 1-based): chr11:77,156,981, G>T. VCF-style: chr11-77156981-G-T. GRCh37 (hg19) VCF-style: chr11-76868027-G-T.
Other names: c.712G>T, p.Glu238Ter (NM_001127180.2); c.679G>T, p.Glu227Ter (NM_001369365.1); short protein forms E227*, E238*.
Identifiers: ClinVar variation 983711 (VCV000983711.3), dbSNP rs1952532000, ClinGen allele CA381932271.